The following is an entry in ClinVar:

ClinVar aggregate classification (germline): Conflicting classifications of pathogenicity. Review status: criteria provided, conflicting classifications (1 of 4 stars). 2 submissions from 2 submitters: Uncertain significance (1); Likely benign (1). Last evaluated 2025-09-08.

Conditions:
Cryopyrin associated periodic syndrome (CAPS). Identifiers: Orphanet 208650, MedGen C2316212, MONDO:0016168.

gnomAD v4.1: 6 of 1,612,958 alleles (0.00037%); highest among the groups gnomAD compares: African/African-American, 0.0054%; no homozygotes.

Submissions (2):

Labcorp Genetics (formerly Invitae), Labcorp
Classification: Likely benign for Cryopyrin associated periodic syndrome. Last evaluated: 2025-09-08. Review status: criteria provided, single submitter. Criteria: Invitae Variant Classification Sherloc (09022015). Collection method: clinical testing. Allele origin: germline.

GeneDx
Classification: Uncertain significance. Last evaluated: 2013-04-28. Review status: criteria provided, single submitter. Criteria: GeneDx Variant Classification (06012015). Collection method: clinical testing. Allele origin: germline. Affected: yes.
Comment: The A77E missense substitution in the NLRP3 gene has neither been published as a mutation, nor reported as a benign polymorphism. A77E represents a nonconservative amino acid substitution as a small, non-polar Alanine residue is replaced with a large, negatively-charged Glutamic Acid residue. This substitution occurs at a position in the NLRP3 protein that is conserved among species; however, it is not located in the NACHT/NBD domain, which is the domain where nearly all NLRP3 disease-associated mutations have been identified. Therefore, based on the currently available information, it is unclear whether A77E is a disease-causing mutation or a rare benign variant.

NM_001243133.2(NLRP3):c.224C>A (p.Ala75Glu)

Gene: NLRP3 (NLR family pyrin domain containing 3; plus strand). Cytogenetic location: 1q44.
Variant type: single nucleotide variant.
Coding change: c.224C>A on transcript NM_001243133.2 (MANE Select); coding-DNA position 224, C replaced by A.
Protein change: p.Ala75Glu; replaces alanine 75 with glutamic acid.
Molecular consequence: missense variant.
Genome position (GRCh38, 1-based): chr1:247,419,024, C>A. VCF-style: chr1-247419024-C-A. GRCh37 (hg19) VCF-style: chr1-247582326-C-A.
Other names: c.224C>A, p.Ala75Glu (NM_001079821.3, NM_001127461.3, NM_001127462.3 and 1 more transcripts); c.230C>A, p.Ala77Glu (NM_004895.5); short protein forms A77E, A75E.
Identifiers: ClinVar variation 234295 (VCV000234295.9), dbSNP rs200288250, ClinGen allele CA10577228.